The following is an entry in ClinVar:

NM_000057.4(BLM):c.3891del (p.Gly1298_Ile1299insTer)

Gene: BLM (BLM RecQ like helicase; plus strand). Cytogenetic location: 15q26.1.
Variant type: Deletion.
Coding change: c.3891del on transcript NM_000057.4 (MANE Select); coding-DNA position 3891, one base deleted (A; older notation c.3891delA).
Protein change: p.Gly1298_Ile1299insTer.
Molecular consequence: frameshift variant.
Genome position (GRCh38, 1-based): chr15:90,811,221, A deleted. VCF-style (leftmost placement, unchanged base first): chr15-90811220-CA-C. GRCh37 (hg19) VCF-style: chr15-91354450-CA-C.
Other names: c.3891del, p.Gly1298_Ile1299insTer (NM_001287246.2); c.3498del, p.Gly1167_Ile1168insTer (NM_001287247.2); c.2766del, p.Gly923_Ile924insTer (NM_001287248.2).
Identifiers: ClinVar variation 1709020 (VCV001709020.5), dbSNP rs2505566477, ClinGen allele CA2580090264.

ClinVar aggregate classification (germline): Pathogenic/Likely pathogenic. Review status: criteria provided, multiple submitters, no conflicts (2 of 4 stars). 3 submissions from 3 submitters: Pathogenic (1); Likely pathogenic (2). Last evaluated 2024-11-11.

Conditions:
BLM-related disorder. Also called: BLM-related condition.
Bloom syndrome (BLM). Also called: Bloom-Torre-Machacek syndrome. Identifiers: Orphanet 125, MedGen C0005859, MONDO:0008876, OMIM 210900.
Hereditary cancer-predisposing syndrome. Also called: Hereditary neoplastic syndrome; Hereditary Cancer Syndrome; Tumor predisposition; Neoplastic Syndromes, Hereditary. Identifiers: Orphanet 140162, MedGen C0027672, MeSH D009386, MONDO:0015356.

Submissions (3):

Blueprint Genetics
Classification: Likely pathogenic for BLM-related disorders. Last evaluated: 2024-11-11. Review status: criteria provided, single submitter. Criteria: ACMG Guidelines, 2015. Collection method: clinical testing. Allele origin: germline. Affected: yes. Observed: 2 variant alleles.

MGZ Medical Genetics Center
Classification: Likely pathogenic for Bloom syndrome. Last evaluated: 2021-12-03. Review status: criteria provided, single submitter. Criteria: ACMG Guidelines, 2015. Collection method: clinical testing. Allele origin: germline. Affected: yes. Observed: 1 variant allele.
Comment: ACMG criteria applied: PVS1, PM2_SUP

Ambry Genetics
Classification: Pathogenic for Hereditary cancer-predisposing syndrome. Last evaluated: 2020-03-18. Review status: criteria provided, single submitter. Criteria: Ambry Variant Classification Scheme 2023. Collection method: clinical testing. Allele origin: germline.
Comment: The p.I1299* variant (also known as c.3891delA) is located in coding exon 20 (c.3875_4076) of the BLM gene. This alteration results in a deletion of A at 3891. This variant was not reported in population-based cohorts in the Genome Aggregation Database (gnomAD). This alteration is expected to result in loss of function by premature protein truncation or nonsense-mediated mRNA decay. As such, this alteration is interpreted as a disease-causing mutation.